The following is an entry in ClinVar:

NM_021831.6(AGBL5):c.712C>T (p.Arg238Cys)

Gene: AGBL5 (AGBL carboxypeptidase 5; plus strand). Cytogenetic location: 2p23.3.
Variant type: single nucleotide variant.
Coding change: c.712C>T on transcript NM_021831.6 (MANE Select); coding-DNA position 712, C replaced by T.
Protein change: p.Arg238Cys; replaces arginine 238 with cysteine.
Molecular consequence: missense variant. On other transcripts: non-coding transcript variant (2).
Genome position (GRCh38, 1-based): chr2:27,054,790, C>T. VCF-style: chr2-27054790-C-T. GRCh37 (hg19) VCF-style: chr2-27277658-C-T.
Other names: c.712C>T, p.Arg238Cys (NM_001035506.1, NM_001035507.3); short protein forms R238C.
Identifiers: ClinVar variation 1953337 (VCV001953337.6), dbSNP rs775012370, ClinGen allele CA1567703.
Genomic context (GRCh38, chr2:27,054,790, plus strand): 5'-GAAGATCGAGAGCCCCGTCTAGAGCAGCTATTTCCTGATACCAGCACCCCTCGACCATTC[C>T]GTTTCGCAGGCAAGAGGGTGAGTGGAAATAGCATAAAGGTAGTTCTTTGGCTTTTCTCTA-3'
Protein context (NP_068603.4, residues 228-248): FPDTSTPRPF[Arg238Cys]FAGKRIFFLS

ClinVar aggregate classification (germline): Uncertain significance. Review status: criteria provided, multiple submitters, no conflicts (2 of 4 stars). 2 submissions from 2 submitters: Uncertain significance (2). Last evaluated 2021-11-27.

Allele frequency attached by ClinVar (database versions not stated): gnomAD exomes below 0.00001; TOPMed below 0.00001; ExAC 0.00001.

Submissions (2):

Labcorp Genetics (formerly Invitae), Labcorp
Classification: Uncertain significance. Last evaluated: 2021-11-27. Review status: criteria provided, single submitter. Criteria: Invitae Variant Classification Sherloc (09022015). Collection method: clinical testing. Allele origin: germline.
Comment: This sequence change replaces arginine, which is basic and polar, with cysteine, which is neutral and slightly polar, at codon 238 of the AGBL5 protein (p.Arg238Cys). This variant is present in population databases (rs775012370, gnomAD 0.01%). This variant has not been reported in the literature in individuals affected with AGBL5-related conditions. Algorithms developed to predict the effect of missense changes on protein structure and function output the following: SIFT: "Tolerated"; PolyPhen-2: "Benign"; Align-GVGD: "Class C0". The cysteine amino acid residue is found in multiple mammalian species, which suggests that this missense change does not adversely affect protein function. In summary, the available evidence is currently insufficient to determine the role of this variant in disease. Therefore, it has been classified as a Variant of Uncertain Significance.

Blueprint Genetics
Classification: Uncertain significance. Last evaluated: 2019-09-30. Review status: criteria provided, single submitter. Criteria: ACMG Guidelines, 2015. Collection method: clinical testing. Allele origin: germline.